The following is an entry in ClinVar:

NM_001458.5(FLNC):c.2349G>A (p.Glu783=)

Gene: FLNC (filamin C; plus strand). Cytogenetic location: 7q32.1.
Variant type: single nucleotide variant.
Coding change: c.2349G>A on transcript NM_001458.5 (MANE Select); coding-DNA position 2349, G replaced by A.
Protein change: p.Glu783=; no amino-acid change (glutamic acid 783 retained).
Molecular consequence: synonymous variant.
Genome position (GRCh38, 1-based): chr7:128,842,658, G>A. VCF-style: chr7-128842658-G-A. GRCh37 (hg19) VCF-style: chr7-128482712-G-A.
Other names: c.2349G>A, p.Glu783= (NM_001127487.2).
Identifiers: ClinVar variation 682586 (VCV000682586.1), dbSNP rs1585157647, ClinGen allele CA457847723.

ClinVar aggregate classification (germline): Likely benign (1 of 4 stars; one submission).

Submission:

GeneDx
Classification: Likely benign. Last evaluated: 2018-05-02. Review status: criteria provided, single submitter. Criteria: GeneDx Variant Classification (06012015). Collection method: clinical testing. Allele origin: germline. Affected: yes.
Comment: This variant is considered likely benign or benign based on one or more of the following criteria: it is a conservative change, it occurs at a poorly conserved position in the protein, it is predicted to be benign by multiple in silico algorithms, and/or has population frequency not consistent with disease.